The following is an entry in ClinVar:

NM_025145.7(CFAP43):c.2212G>A (p.Ala738Thr)

Gene: CFAP43 (cilia and flagella associated protein 43; minus strand). Cytogenetic location: 10q25.1.
Variant type: single nucleotide variant.
Coding change: c.2212G>A on transcript NM_025145.7 (MANE Select); coding-DNA position 2212, G replaced by A.
Protein change: p.Ala738Thr; replaces alanine 738 with threonine.
Molecular consequence: missense variant.
Genome position (GRCh38, 1-based): chr10:104,182,443, C>T on the plus strand (G>A on the coding strand, the complement: CFAP43 is on the minus strand). VCF-style: chr10-104182443-C-T. GRCh37 (hg19) VCF-style: chr10-105942201-C-T.
Other names: short protein forms A738T.
Identifiers: ClinVar variation 3054952 (VCV003054952.2), dbSNP rs141476006, ClinGen allele CA5680686.

ClinVar aggregate classification (germline): Likely benign (0 of 4 stars; one submission).

Conditions:
CFAP43-related disorder. Also called: CFAP43-related condition.

Allele frequency attached by ClinVar (database versions not stated): ExAC 0.00023; gnomAD 0.00040; 1000 Genomes Project 30x 0.00047; TOPMed 0.00049; ESP Exome Variant Server 0.00054; 1000 Genomes Project 0.00060.
gnomAD v4.1: 128 of 1,612,512 alleles (0.0079%); highest among the groups gnomAD compares: African/African-American, 0.13%; no homozygotes.

Submission:

PreventionGenetics, part of Exact Sciences
Classification: Likely benign for CFAP43-related condition. Last evaluated: 2022-05-02. Review status: no assertion criteria provided. Collection method: clinical testing. Allele origin: germline.
Comment: This variant is classified as likely benign based on ACMG/AMP sequence variant interpretation guidelines (Richards et al. 2015 PMID: 25741868, with internal and published modifications).